The following is an entry in ClinVar:

ClinVar aggregate classification (germline): Uncertain significance (1 of 4 stars; one submission).

Conditions:
Autosomal recessive axonal neuropathy with neuromyotonia (NMAN). Also called: MYOKYMIA, MYOTONIA, AND MUSCLE WASTING; Neuromyotonia and axonal neuropathy, autosomal recessive; Gamstorp-Wohlfart syndrome. Identifiers: Orphanet 324442, MedGen C5700127, MONDO:0007646, OMIM 137200.

Allele frequency attached by ClinVar (database versions not stated): gnomAD 0.00001; gnomAD exomes 0.00001; TOPMed 0.00001; ExAC 0.00002.
gnomAD v4.1: 14 of 1,613,700 alleles (0.00087%); highest among the groups gnomAD compares: Non-Finnish European, 0.0012%; no homozygotes.

Submission:

Labcorp Genetics (formerly Invitae), Labcorp
Classification: Uncertain significance for Autosomal recessive axonal neuropathy with neuromyotonia. Last evaluated: 2022-02-20. Review status: criteria provided, single submitter. Criteria: Invitae Variant Classification Sherloc (09022015). Collection method: clinical testing. Allele origin: germline.
Comment: This sequence change replaces glycine, which is neutral and non-polar, with cysteine, which is neutral and slightly polar, at codon 93 of the HINT1 protein (p.Gly93Cys). This variant is present in population databases (rs755979803, gnomAD 0.003%). This variant has not been reported in the literature in individuals affected with HINT1-related conditions. ClinVar contains an entry for this variant (Variation ID: 568648). Algorithms developed to predict the effect of missense changes on protein structure and function are either unavailable or do not agree on the potential impact of this missense change (SIFT: "Tolerated"; PolyPhen-2: "Probably Damaging"; Align-GVGD: "Class C0"). In summary, the available evidence is currently insufficient to determine the role of this variant in disease. Therefore, it has been classified as a Variant of Uncertain Significance.

NM_005340.7(HINT1):c.277G>T (p.Gly93Cys)

Gene: HINT1 (histidine triad nucleotide binding protein 1; minus strand). Cytogenetic location: 5q23.3.
Variant type: single nucleotide variant.
Coding change: c.277G>T on transcript NM_005340.7 (MANE Select); coding-DNA position 277, G replaced by T.
Protein change: p.Gly93Cys; replaces glycine 93 with cysteine.
Molecular consequence: missense variant. On other transcripts: non-coding transcript variant (5).
Genome position (GRCh38, 1-based): chr5:131,159,551, C>A on the plus strand (G>T on the coding strand, the complement: HINT1 is on the minus strand). VCF-style: chr5-131159551-C-A. GRCh37 (hg19) VCF-style: chr5-130495244-C-A.
Other names: short protein forms G93C.
Identifiers: ClinVar variation 568648 (VCV000568648.6), dbSNP rs755979803, ClinGen allele CA3398563.